The following is an entry in ClinVar:

ClinVar aggregate classification (germline): Likely benign (1 of 4 stars; one submission).

Conditions:
ZBTB47-related condition.

gnomAD v4.1: 14 of 1,501,046 alleles (0.00093%); highest among the groups gnomAD compares: South Asian, 0.0026%; no homozygotes.

Submission:

PreventionGenetics, part of Exact Sciences
Classification: Likely benign for ZBTB47-related condition. Last evaluated: 2025-02-05. Review status: criteria provided, single submitter. Criteria: ACMG Guidelines, 2015. Collection method: clinical testing. Allele origin: germline.
Comment: This variant is classified as likely benign based on ACMG/AMP sequence variant interpretation guidelines (Richards et al. 2015 PMID: 25741868, with internal and published modifications).

NM_145166.4(ZBTB47):c.591C>T (p.Val197=)

Gene: ZBTB47 (zinc finger and BTB domain containing 47; plus strand). Cytogenetic location: 3p22.1.
Variant type: single nucleotide variant.
Coding change: c.591C>T on transcript NM_145166.4 (MANE Select); coding-DNA position 591, C replaced by T.
Protein change: p.Val197=; no amino-acid change (valine 197 retained).
Molecular consequence: synonymous variant.
Genome position (GRCh38, 1-based): chr3:42,658,946, C>T. VCF-style: chr3-42658946-C-T. GRCh37 (hg19) VCF-style: chr3-42700438-C-T.
Other names: c.675C>T, p.Val225= (NM_001410746.1).
Identifiers: ClinVar variation 4987487 (VCV004987487.1).
Genomic context (GRCh38, chr3:42,658,946, plus strand): 5'-AGTGCCTGCCACCATTGGGCCAGCCCAGCCCTTCTTTAAGGAGGAGAAGGAGGGTGGTGT[C>T]GAGGAGGCCGGTGGGCCCCCAGCCAGCTTGTGCAAGCTGGAGGGTGGAGAAGAGTTGGAG-3'
Protein context (NP_660149.2, residues 187-207): PFFKEEKEGG[Val197=]EEAGGPPASL